The following is an entry in ClinVar:

ClinVar aggregate classification (germline): Conflicting classifications of pathogenicity. Review status: criteria provided, conflicting classifications (1 of 4 stars). 3 submissions from 3 submitters: Uncertain significance (2); Likely benign (1). Last evaluated 2025-11-23.

Conditions:
Exostoses, multiple, type 2 (EXT2). Also called: Hereditary Multiple Osteochondromatosis, Type II; EXOSTOSES, MULTIPLE, TYPE II. Identifiers: Orphanet 321, MedGen C1851413, MONDO:0007586, OMIM 133701.
Inborn genetic diseases. Identifiers: MedGen C0950123, MeSH D030342.

Allele frequency attached by ClinVar (database versions not stated): ExAC 0.00008; ESP Exome Variant Server 0.00008; gnomAD exomes 0.00008; gnomAD 0.00030 and 0.00031; 1000 Genomes Project 30x 0.00031; TOPMed 0.00037; 1000 Genomes Project 0.00040.
gnomAD v4.1: 108 of 1,614,050 alleles (0.0067%); highest among the groups gnomAD compares: African/African-American, 0.1%; no homozygotes.

Submissions (3):

Labcorp Genetics (formerly Invitae), Labcorp
Classification: Likely benign for Exostoses, multiple, type 2. Last evaluated: 2025-11-23. Review status: criteria provided, single submitter. Criteria: Invitae Variant Classification Sherloc (09022015). Collection method: clinical testing. Allele origin: germline.

Ambry Genetics
Classification: Uncertain significance for Inborn genetic diseases. Last evaluated: 2024-07-05. Review status: criteria provided, single submitter. Criteria: Ambry Variant Classification Scheme 2023. Collection method: clinical testing. Allele origin: germline.

St. Jude Molecular Pathology, St. Jude Children's Research Hospital
Classification: Uncertain significance for Exostoses, multiple, type 2. Last evaluated: 2023-09-08. Review status: criteria provided, single submitter. Criteria: St. Jude Assertion Criteria 2020. Collection method: clinical testing. Allele origin: germline.
Comment: The EXT2 c.2011G>A (p.Val671Ile) missense change has a maximum subpopulation frequency of 0.080% in gnomAD v2.1.1. The in silico tool REVEL predicts a benign effect on protein function, but to our knowledge this prediction has not been confirmed by functional studies. To our knowledge, this variant has not been reported in individuals with hereditary multiple exostoses. In summary, the evidence currently available is insufficient to determine the clinical significance of this variant. It has therefore been classified as of uncertain significance.

NM_207122.2(EXT2):c.1912G>A (p.Val638Ile)

Gene: EXT2 (exostosin glycosyltransferase 2; plus strand). Cytogenetic location: 11p11.2.
Variant type: single nucleotide variant.
Coding change: c.1912G>A on transcript NM_207122.2 (MANE Select); coding-DNA position 1912, G replaced by A.
Protein change: p.Val638Ile; replaces valine 638 with isoleucine.
Molecular consequence: missense variant.
Genome position (GRCh38, 1-based): chr11:44,234,220, G>A. VCF-style: chr11-44234220-G-A. GRCh37 (hg19) VCF-style: chr11-44255770-G-A.
Other names: c.2011G>A, p.Val671Ile (NM_000401.3); c.1942G>A, p.Val648Ile (NM_001178083.3); short protein forms V638I, V648I, V671I.
Identifiers: ClinVar variation 1556315 (VCV001556315.11), dbSNP rs145024832, ClinGen allele CA5955385.